The following is an entry in ClinVar:

NM_013254.4(TBK1):c.978T>A (p.Ile326=)

Gene: TBK1 (TANK binding kinase 1; plus strand). Cytogenetic location: 12q14.2.
Variant type: single nucleotide variant.
Coding change: c.978T>A on transcript NM_013254.4 (MANE Select); coding-DNA position 978, T replaced by A.
Protein change: p.Ile326=; no amino-acid change (isoleucine 326 retained).
Molecular consequence: synonymous variant.
Genome position (GRCh38, 1-based): chr12:64,482,007, T>A. VCF-style: chr12-64482007-T-A. GRCh37 (hg19) VCF-style: chr12-64875787-T-A.
Other names: p.Ile326=.
Identifiers: ClinVar variation 403522 (VCV000403522.26), dbSNP rs7486100, ClinGen allele CA6668934.

ClinVar aggregate classification (germline): Benign. Review status: criteria provided, multiple submitters, no conflicts (2 of 4 stars). 10 submissions from 10 submitters: Benign (8). 2 of the submissions do not count toward it. Last evaluated 2026-02-04.

Conditions:
Frontotemporal dementia and/or amyotrophic lateral sclerosis 4. Also called: FTDALS4. Identifiers: Orphanet 275872, MedGen C4225325, MONDO:0014641, OMIM 616439.
Glaucoma 1, open angle, P. Identifiers: MedGen C3888338, MONDO:0008328, OMIM 177700.

Allele frequency attached by ClinVar (database versions not stated): 1000 Genomes Project 0.35323; 1000 Genomes Project 30x 0.35447; TOPMed 0.41436; gnomAD 0.43650 and 0.43701; ESP Exome Variant Server 0.43972; gnomAD exomes 0.47668 and 0.53612; ExAC 0.48142.
gnomAD v4.1: 825,296 of 1,572,000 alleles (52%); highest among the groups gnomAD compares: Non-Finnish European, 57%; 225,423 homozygotes.

Submissions (10):

Labcorp Genetics (formerly Invitae), Labcorp
Classification: Benign for Frontotemporal dementia and/or amyotrophic lateral sclerosis 4. Last evaluated: 2026-02-04. Review status: criteria provided, single submitter. Criteria: Invitae Variant Classification Sherloc (09022015). Collection method: clinical testing. Allele origin: germline.

Women's Health and Genetics/Laboratory Corporation of America, LabCorp
Classification: Benign. Last evaluated: 2026-01-21. Review status: criteria provided, single submitter. Criteria: LabCorp Variant Classification Summary - May 2015. Collection method: clinical testing. Allele origin: germline.

Unidad de Genómica Garrahan, Hospital de Pediatría Garrahan
Classification: Benign. Last evaluated: 2024-01-24. Review status: criteria provided, single submitter. Criteria: ACMG Guidelines, 2015. Collection method: clinical testing. Allele origin: germline. Affected: no. Observed: 69 variant alleles.
Comment: This variant is classified as Benign based on local population frequency. This variant was detected in 73% of patients studied by a panel of primary immunodeficiencies. Number of patients: 69. Only high quality variants are reported.

Mayo Clinic Laboratories, Mayo Clinic
Classification: Benign. Last evaluated: 2022-03-24. Review status: criteria provided, single submitter. Criteria: ACMG Guidelines, 2015. Collection method: clinical testing. Allele origin: germline. Observed: 452 variant alleles.

Genome-Nilou Lab
Classification: Benign for Frontotemporal dementia and/or amyotrophic lateral sclerosis 4. Last evaluated: 2021-07-15. Review status: criteria provided, single submitter. Criteria: ACMG Guidelines, 2015. Collection method: clinical testing. Allele origin: germline. Affected: no.

GeneDx
Classification: Benign. Last evaluated: 2018-05-02. Review status: criteria provided, single submitter. Criteria: GeneDx Variant Classification (06012015). Collection method: clinical testing. Allele origin: germline. Affected: yes.
Comment: This variant is considered likely benign or benign based on one or more of the following criteria: it is a conservative change, it occurs at a poorly conserved position in the protein, it is predicted to be benign by multiple in silico algorithms, and/or has population frequency not consistent with disease.

Laboratory for Molecular Medicine, Mass General Brigham Personalized Medicine
Classification: Benign. Last evaluated: 2016-03-29. Review status: criteria provided, single submitter. Criteria: LMM Criteria. Collection method: clinical testing. Allele origin: germline.
Comment: Variant identified in a genome or exome case(s) and assessed due to predicted null impact of the variant or pathogenic assertions in the literature or databases. Disclaimer: This variant has not undergone full assessment. The following are preliminary notes: MAF

Breakthrough Genomics
Classification: Benign. Review status: criteria provided, single submitter. Criteria: ACMG Guidelines, 2015. Collection method: not provided. Allele origin: germline. Inheritance: Autosomal dominant inheritance. Affected: yes.

Genome Diagnostics Laboratory, Amsterdam University Medical Center
Classification: Benign for Glaucoma 1, open angle, P. Last evaluated: 2016-04-22. Review status: no assertion criteria provided. Criteria: ACGS Guidelines, 2013. Collection method: clinical testing. Allele origin: germline. Affected: yes. Study: VKGL Data-share Consensus. Not counted in ClinVar's aggregate classification.

Clinical Genetics, Academic Medical Center
Classification: Benign. Review status: no assertion criteria provided. Collection method: clinical testing. Allele origin: germline. Affected: yes. Study: VKGL Data-share Consensus. Not counted in ClinVar's aggregate classification.